The following is an entry in ClinVar:

ClinVar aggregate classification (germline): Uncertain significance (1 of 4 stars; one submission).

Conditions:
Exostoses, multiple, type 2 (EXT2). Also called: EXOSTOSES, MULTIPLE, TYPE II; Hereditary Multiple Osteochondromatosis, Type II. Identifiers: Orphanet 321, MedGen C1851413, MONDO:0007586, OMIM 133701.

Allele frequency attached by ClinVar (database versions not stated): gnomAD exomes below 0.00001; ExAC 0.00001.
gnomAD v4.1: 2 of 1,614,190 alleles (0.00012%); highest among the groups gnomAD compares: Non-Finnish European, 0.00017%; no homozygotes.

Submission:

Labcorp Genetics (formerly Invitae), Labcorp
Classification: Uncertain significance for Exostoses, multiple, type 2. Last evaluated: 2023-12-07. Review status: criteria provided, single submitter. Criteria: Invitae Variant Classification Sherloc (09022015). Collection method: clinical testing. Allele origin: germline.
Comment: This sequence change replaces valine, which is neutral and non-polar, with alanine, which is neutral and non-polar, at codon 93 of the EXT2 protein (p.Val93Ala). This variant is present in population databases (rs773387959, gnomAD 0.0009%). This variant has not been reported in the literature in individuals affected with EXT2-related conditions. Advanced modeling of protein sequence and biophysical properties (such as structural, functional, and spatial information, amino acid conservation, physicochemical variation, residue mobility, and thermodynamic stability) performed at Invitae indicates that this missense variant is not expected to disrupt EXT2 protein function with a negative predictive value of 80%. In summary, the available evidence is currently insufficient to determine the role of this variant in disease. Therefore, it has been classified as a Variant of Uncertain Significance.

NM_207122.2(EXT2):c.278T>C (p.Val93Ala)

Gene: EXT2 (exostosin glycosyltransferase 2; plus strand). Cytogenetic location: 11p11.2.
Variant type: single nucleotide variant.
Coding change: c.278T>C on transcript NM_207122.2 (MANE Select); coding-DNA position 278, T replaced by C.
Protein change: p.Val93Ala; replaces valine 93 with alanine.
Molecular consequence: missense variant.
Genome position (GRCh38, 1-based): chr11:44,107,990, T>C. VCF-style: chr11-44107990-T-C. GRCh37 (hg19) VCF-style: chr11-44129540-T-C.
Other names: c.377T>C, p.Val126Ala (NM_000401.3); c.278T>C, p.Val93Ala (NM_001178083.3, NM_001389628.1, NM_001389630.1); short protein forms V126A, V93A.
Identifiers: ClinVar variation 2968085 (VCV002968085.3), dbSNP rs773387959, ClinGen allele CA5954855.